The following is an entry in ClinVar:

NC_000023.10:g.(32466756_32472778)_(32472950_32481555)dup

Gene: DMD (dystrophin; minus strand). Cytogenetic location: Xp21.1.
Variant type: Duplication.
Identifiers: ClinVar variation 2682404 (VCV002682404.1).

ClinVar aggregate classification (germline): Uncertain significance (1 of 4 stars; one submission).

Submission:

Women's Health and Genetics/Laboratory Corporation of America, LabCorp
Classification: Uncertain significance. Last evaluated: 2023-11-08. Review status: criteria provided, single submitter. Criteria: LabCorp Variant Classification Summary - May 2015. Collection method: clinical testing. Allele origin: germline.
Comment: Variant summary: The variant involves the duplication of exon 26 in the DMD gene. A presumed nomenclature of c.(3432+1_3433-1)_(3603+1_3604-1)dup has been designated for the purposes of this classification. It is assumed to be a tandem duplication in direct orientation (Richardson_GIM_2018, Newman_AJHG_2015). This Copy Number Variant (CNV) is predicted to result in an in-frame duplication within this gene. The variant was absent in 16120 control chromosomes. The available data on variant occurrences in the general population are insufficient to allow any conclusion about variant significance. c.(3432+1_3433-1)_(3603+1_3604-1)dup has been reported in the literature in individuals affected with Dystrophinopathies. These data indicate that the variant may be associated with disease (Li_2015). To our knowledge, no experimental evidence demonstrating an impact on protein function has been reported. The following publication have been ascertained in the context of this evaluation (PMID: 25612904). No submitters have cited clinical-significance assessments for this variant to ClinVar after 2014. Based on the evidence outlined above, the variant was classified as VUS-possibly pathogenic.

Literature cited by the submitters: PubMed 25612904.